The following is an entry in ClinVar:

ClinVar aggregate classification (germline): Uncertain significance (1 of 4 stars; one submission).

Submission:

GeneDx
Classification: Uncertain significance. Last evaluated: 2024-07-16. Review status: criteria provided, single submitter. Criteria: GeneDx Variant Classification Process June 2021. Collection method: clinical testing. Allele origin: germline. Affected: yes.
Comment: Not observed at significant frequency in large population cohorts (gnomAD); In silico analysis supports that this missense variant has a deleterious effect on protein structure/function; Has not been previously published as pathogenic or benign to our knowledge

NM_003060.4(SLC22A5):c.533G>A (p.Gly178Asp)

Gene: SLC22A5 (solute carrier family 22 member 5; plus strand). Cytogenetic location: 5q31.1.
Variant type: single nucleotide variant.
Coding change: c.533G>A on transcript NM_003060.4 (MANE Select); coding-DNA position 533, G replaced by A.
Protein change: p.Gly178Asp; replaces glycine 178 with aspartic acid.
Molecular consequence: missense variant.
Genome position (GRCh38, 1-based): chr5:132,384,182, G>A. VCF-style: chr5-132384182-G-A. GRCh37 (hg19) VCF-style: chr5-131719874-G-A.
Other names: c.605G>A, p.Gly202Asp (NM_001308122.2); short protein forms G178D, G202D.
Identifiers: ClinVar variation 3573757 (VCV003573757.1).